The following is an entry in ClinVar:

NM_001199138.2(NLRC4):c.1027A>G (p.Ile343Val)

Gene: NLRC4 (NLR family CARD domain containing 4; minus strand). Cytogenetic location: 2p22.3.
Variant type: single nucleotide variant.
Coding change: c.1027A>G on transcript NM_001199138.2 (MANE Select); coding-DNA position 1027, A replaced by G.
Protein change: p.Ile343Val; replaces isoleucine 343 with valine.
Molecular consequence: missense variant. On other transcripts: intron variant (1).
Genome position (GRCh38, 1-based): chr2:32,250,837, T>C on the plus strand (A>G on the coding strand, the complement: NLRC4 is on the minus strand). VCF-style: chr2-32250837-T-C. GRCh37 (hg19) VCF-style: chr2-32475906-T-C.
Other names: c.1027A>G, p.Ile343Val (NM_001199139.2, NM_021209.5); c.262+1582A>G (NM_001302504.1); short protein forms I343V.
Identifiers: ClinVar variation 2098153 (VCV002098153.5), dbSNP rs2466761303, ClinGen allele CA346513735.
Genomic context (GRCh38, chr2:32,250,837, plus strand): 5'-ACAGCGTTGTTTGTGTGTGAGAGTGGAACTCACTTTCACCCATCTGGATTGCACAAGTGA[T>C]GACCACAAAGAGAGGGGTCTTCATGAGATTCCTCAAGCACCTGGATTTCTGAATTTGGAG-3'
Protein context (NP_001186067.1, residues 333-353): NLMKTPLFVV[Ile343Val]TCAIQMGESE

ClinVar aggregate classification (germline): Uncertain significance. Review status: criteria provided, multiple submitters, no conflicts (2 of 4 stars). 2 submissions from 2 submitters: Uncertain significance (2). Last evaluated 2024-11-18.

Conditions:
Periodic fever-infantile enterocolitis-autoinflammatory syndrome. Also called: Autoinflammation with infantile enterocolitis. Identifiers: Orphanet 436166, MedGen C4015067, MONDO:0014472, OMIM 616050.
Familial cold autoinflammatory syndrome 4 (FCAS4). Identifiers: Orphanet 47045, Orphanet 576349, MedGen C4015276, MONDO:0014498, OMIM 616115.

Submissions (2):

GeneDx
Classification: Uncertain significance. Last evaluated: 2024-11-18. Review status: criteria provided, single submitter. Criteria: GeneDx Variant Classification Process June 2021. Collection method: clinical testing. Allele origin: germline. Affected: yes.
Comment: Not observed at significant frequency in large population cohorts (gnomAD); In silico analysis indicates that this missense variant does not alter protein structure/function; This variant is associated with the following publications: (PMID: 33822359)

Labcorp Genetics (formerly Invitae), Labcorp
Classification: Uncertain significance for Periodic fever-infantile enterocolitis-autoinflammatory syndrome; Familial cold autoinflammatory syndrome 4. Last evaluated: 2022-11-29. Review status: criteria provided, single submitter. Criteria: Invitae Variant Classification Sherloc (09022015). Collection method: clinical testing. Allele origin: germline.
Comment: This sequence change replaces isoleucine, which is neutral and non-polar, with valine, which is neutral and non-polar, at codon 343 of the NLRC4 protein (p.Ile343Val). In summary, the available evidence is currently insufficient to determine the role of this variant in disease. Therefore, it has been classified as a Variant of Uncertain Significance. Advanced modeling of protein sequence and biophysical properties (such as structural, functional, and spatial information, amino acid conservation, physicochemical variation, residue mobility, and thermodynamic stability) has been performed at Invitae for this missense variant, however the output from this modeling did not meet the statistical confidence thresholds required to predict the impact of this variant on NLRC4 protein function. This missense change has been observed in individual(s) with NLRC4-related conditions (PMID: 33822359). This variant is not present in population databases (gnomAD no frequency).

Literature cited by the submitters: PubMed 33822359 (cited by Labcorp Genetics (formerly Invitae), Labcorp).